The following is an entry in ClinVar:

NM_000093.5(COL5A1):c.4566_4574del (p.Ser1524_Pro1526del)

Genes: COL5A1 (collagen type V alpha 1 chain; plus strand), LOC101448202 (uncharacterized LOC101448202; minus strand). Cytogenetic location: 9q34.3.
Variant type: Deletion.
Coding change: c.4566_4574del on transcript NM_000093.5 (MANE Select); coding-DNA positions 4566 to 4574, 9 bases deleted (TCCTTCTGG; older notation c.4566_4574delTCCTTCTGG).
Protein change: p.Ser1524_Pro1526del.
Molecular consequence: inframe deletion.
Genome position (GRCh38, 1-based): chr9:134,822,108-134,822,116, TCCTTCTGG deleted; deleting any 9 consecutive bases within chr9:134,822,104-134,822,116 gives the same sequence; the c. name uses the placement nearest the transcript's 3' end. VCF-style (leftmost placement, unchanged base first): chr9-134822103-ACTGGTCCTT-A. GRCh37 (hg19) VCF-style: chr9-137713949-ACTGGTCCTT-A.
Other names: c.4566_4574del, p.Ser1524_Pro1526del (NM_001278074.1).
Identifiers: ClinVar variation 2000690 (VCV002000690.4), dbSNP rs2490865354, ClinGen allele CA2580080014.
Genomic context (GRCh38, chr9:134,822,103, plus strand): 5'-CCGCAGCTCCTCCTCGTCTGAAGGTGATAACCTGCATTTTCTGGTCCTTTTCAGGGTATC[ACTGGTCCTT>A]CTGGCCCGATTGGGCCTCCTGGGCCCCCTGGCCTGCCGGTGTGTATCTGGGAGGGGCTTG-3'

ClinVar aggregate classification (germline): Uncertain significance (1 of 4 stars; one submission).

Conditions:
Ehlers-Danlos syndrome, classic type, 1 (EDSCL1). Also called: EHLERS-DANLOS SYNDROME, GRAVIS TYPE; EHLERS-DANLOS SYNDROME, SEVERE CLASSIC TYPE; Ehlers-Danlos syndrome, type 1; EDS I; Ehlers-Danlos Syndrome, Classic Type, COL5A1-Related. Identifiers: MedGen C0268335, MONDO:0019567, OMIM 130000.

Submission:

Labcorp Genetics (formerly Invitae), Labcorp
Classification: Uncertain significance for Ehlers-Danlos syndrome, classic type, 1. Last evaluated: 2022-07-02. Review status: criteria provided, single submitter. Criteria: Invitae Variant Classification Sherloc (09022015). Collection method: clinical testing. Allele origin: germline.
Comment: Experimental studies and prediction algorithms are not available or were not evaluated, and the functional significance of this variant is currently unknown. In summary, the available evidence is currently insufficient to determine the role of this variant in disease. Therefore, it has been classified as a Variant of Uncertain Significance. This variant disrupts the triple helix domain of COL5A1. Glycine residues within the Gly-Xaa-Yaa repeats of the triple helix domain are required for the structure and stability of fibrillar collagens (PMID: 7695699, 8218237, 19344236), and variants at these glycine residues in COL5A1 are more frequently observed in individuals with disease than in the general population (PMID: 22696272, 23587214). However, the clinical significance of this observation remains uncertain since only a limited number of affected individuals have been described to date. This variant has not been reported in the literature in individuals affected with COL5A1-related conditions. This variant is not present in population databases (gnomAD no frequency). This variant, c.4566_4574del, results in the deletion of 3 amino acid(s) of the COL5A1 protein (p.Ser1524_Pro1526del), but otherwise preserves the integrity of the reading frame.

Literature cited by the submitters: PubMed 7695699; PubMed 8218237; PubMed 19344236; PubMed 22696272; PubMed 23587214.